The following is an entry in ClinVar:

NM_000179.3(MSH6):c.2374C>T (p.Leu792=)

Gene: MSH6 (mutS homolog 6; plus strand). Cytogenetic location: 2p16.3.
Variant type: single nucleotide variant.
Coding change: c.2374C>T on transcript NM_000179.3 (MANE Select); coding-DNA position 2374, C replaced by T.
Protein change: p.Leu792=; no amino-acid change (leucine 792 retained).
Molecular consequence: synonymous variant.
Genome position (GRCh38, 1-based): chr2:47,800,357, C>T. VCF-style: chr2-47800357-C-T. GRCh37 (hg19) VCF-style: chr2-48027496-C-T.
Other names: c.1984C>T, p.Leu662= (NM_001281492.2); c.1468C>T, p.Leu490= (NM_001281493.2, NM_001281494.2).
Identifiers: ClinVar variation 821177 (VCV000821177.14), dbSNP rs1478046202, ClinGen allele CA426121692.

ClinVar aggregate classification (germline): Benign/Likely benign. Review status: criteria provided, multiple submitters, no conflicts (2 of 4 stars). 4 submissions from 4 submitters: Benign (1); Likely benign (3). Last evaluated 2025-11-12.

Conditions:
Lynch syndrome 5 (LYNCH5). Also called: Colorectal cancer, hereditary nonpolyposis, type 5; Hereditary non-polyposis colorectal cancer, type 5. Identifiers: Orphanet 144, MedGen C1833477, MONDO:0013710, OMIM 614350. Disease mechanism: loss of function.
Hereditary nonpolyposis colorectal neoplasms. Identifiers: MedGen C0009405, MeSH D003123.
Hereditary cancer-predisposing syndrome. Also called: Neoplastic Syndromes, Hereditary; Tumor predisposition; Hereditary Cancer Syndrome; Hereditary neoplastic syndrome. Identifiers: Orphanet 140162, MedGen C0027672, MeSH D009386, MONDO:0015356.

Allele frequency attached by ClinVar (database versions not stated): gnomAD exomes below 0.00001.
gnomAD v4.1: 10 of 1,614,086 alleles (0.00062%); highest among the groups gnomAD compares: Non-Finnish European, 0.00076%; no homozygotes.

Submissions (4):

Labcorp Genetics (formerly Invitae), Labcorp
Classification: Likely benign for Hereditary nonpolyposis colorectal neoplasms. Last evaluated: 2025-11-12. Review status: criteria provided, single submitter. Criteria: Invitae Variant Classification Sherloc (09022015). Collection method: clinical testing. Allele origin: germline.

Myriad Genetics, Inc.
Classification: Benign for Lynch syndrome 5. Last evaluated: 2024-12-31. Review status: criteria provided, single submitter. Criteria: Myriad Autosomal Dominant, Autosomal Recessive and X-Linked Classification Criteria (2023). Collection method: clinical testing. Allele origin: unknown.
Comment: This variant is considered benign. This variant is a silent/synonymous amino acid change and it is not expected to impact splicing.

Color Diagnostics, LLC DBA Color Health
Classification: Likely benign for Hereditary cancer-predisposing syndrome. Last evaluated: 2019-09-03. Review status: criteria provided, single submitter. Criteria: ACMG Guidelines, 2015. Collection method: clinical testing. Allele origin: germline.

Ambry Genetics
Classification: Likely benign for Hereditary cancer-predisposing syndrome. Last evaluated: 2019-08-08. Review status: criteria provided, single submitter. Criteria: Ambry Variant Classification Scheme 2023. Collection method: clinical testing. Allele origin: germline.